The following is an entry in ClinVar:

NM_024685.4(BBS10):c.431T>C (p.Ile144Thr)

Gene: BBS10 (Bardet-Biedl syndrome 10; minus strand). Cytogenetic location: 12q21.2.
Variant type: single nucleotide variant.
Coding change: c.431T>C on transcript NM_024685.4 (MANE Select); coding-DNA position 431, T replaced by C.
Protein change: p.Ile144Thr; replaces isoleucine 144 with threonine.
Molecular consequence: missense variant.
Genome position (GRCh38, 1-based): chr12:76,347,554, A>G on the plus strand (T>C on the coding strand, the complement: BBS10 is on the minus strand). VCF-style: chr12-76347554-A-G. GRCh37 (hg19) VCF-style: chr12-76741334-A-G.
Other names: short protein forms I144T.
Identifiers: ClinVar variation 3339171 (VCV003339171.1).

ClinVar aggregate classification (germline): Uncertain significance (1 of 4 stars; one submission).

Submission:

Women's Health and Genetics/Laboratory Corporation of America, LabCorp
Classification: Uncertain significance. Last evaluated: 2024-07-03. Review status: criteria provided, single submitter. Criteria: LabCorp Variant Classification Summary - May 2015. Collection method: clinical testing. Allele origin: germline.
Comment: Variant summary: BBS10 c.431T>C (p.Ile144Thr) results in a non-conservative amino acid change in the encoded protein sequence. Three of five in-silico tools predict a benign effect of the variant on protein function. The variant was absent in 249458 control chromosomes. The available data on variant occurrences in the general population are insufficient to allow any conclusion about variant significance. c.431T>C has been reported in the literature in the presumed compound heterozygous state in 2 related individuals affected with a molecular diagnosis of nephronophthisis and/or BBS10-related conditions (example, Sakakibara_2022). These report(s) do not provide unequivocal conclusions about association of the variant with Bardet-Biedl Syndrome. To our knowledge, no experimental evidence demonstrating an impact on protein function has been reported. The following publication has been ascertained in the context of this evaluation (PMID: 35140360). No submitters have cited clinical-significance assessments for this variant to ClinVar. Based on the evidence outlined above, the variant was classified as uncertain significance.

Literature cited by the submitters: PubMed 35140360.